The following is an entry in ClinVar:

NM_020693.4(DSCAML1):c.1582G>T (p.Val528Phe)

Gene: DSCAML1 (DS cell adhesion molecule like 1; minus strand). Cytogenetic location: 11q23.3.
Variant type: single nucleotide variant.
Coding change: c.1582G>T on transcript NM_020693.4 (MANE Select); coding-DNA position 1582, G replaced by T.
Protein change: p.Val528Phe; replaces valine 528 with phenylalanine.
Molecular consequence: missense variant.
Genome position (GRCh38, 1-based): chr11:117,516,668, C>A on the plus strand (G>T on the coding strand, the complement: DSCAML1 is on the minus strand). VCF-style: chr11-117516668-C-A. GRCh37 (hg19) VCF-style: chr11-117387383-C-A.
Other names: c.1582G>T, p.Val528Phe (NM_001367904.1); short protein forms V528F.
Identifiers: ClinVar variation 4804395 (VCV004804395.1).

ClinVar aggregate classification (germline): Uncertain significance (1 of 4 stars; one submission).

gnomAD v4.1: 16 of 1,614,068 alleles (0.00099%); highest among the groups gnomAD compares: Non-Finnish European, 0.0013%; no homozygotes.

Submission:

Labcorp Genetics (formerly Invitae), Labcorp
Classification: Uncertain significance. Last evaluated: 2025-03-18. Review status: criteria provided, single submitter. Criteria: Invitae Variant Classification Sherloc (09022015). Collection method: clinical testing. Allele origin: germline.
Comment: This sequence change replaces valine, which is neutral and non-polar, with phenylalanine, which is neutral and non-polar, at codon 588 of the DSCAML1 protein (p.Val588Phe). This variant is present in population databases (rs758132059, gnomAD 0.0009%). This variant has not been reported in the literature in individuals affected with DSCAML1-related conditions. An algorithm developed to predict the effect of missense changes on protein structure and function (PolyPhen-2) suggests that this variant is likely to be disruptive. In summary, the available evidence is currently insufficient to determine the role of this variant in disease. Therefore, it has been classified as a Variant of Uncertain Significance.